The following is an entry in ClinVar:

ClinVar aggregate classification (germline): Likely pathogenic. Review status: criteria provided, multiple submitters, no conflicts (2 of 4 stars). 6 submissions from 6 submitters: Likely pathogenic (6). Last evaluated 2026-04-09.

Conditions:
Retinitis pigmentosa 39 (RP39). Identifiers: Orphanet 791, MedGen C3151138, MONDO:0013436, OMIM 613809.
Usher syndrome type 2A. Also called: RETINAL DISEASE IN USHER SYNDROME TYPE IIA, MODIFIER OF; USHER SYNDROME, TYPE IIA. Identifiers: Orphanet 231178, Orphanet 886, MedGen C1848634, MONDO:0010169, OMIM 276901.
USH2A-related disorder. Also called: USH2A-related condition; USH2A-related disorders. Identifiers: MedGen CN239332.

Allele frequency attached by ClinVar (database versions not stated): gnomAD exomes below 0.00001 and 0.00001; TOPMed below 0.00001; ExAC 0.00001; gnomAD 0.00001; 1000 Genomes Project 30x 0.00016; 1000 Genomes Project 0.00020.
gnomAD v4.1: 10 of 1,613,598 alleles (0.00062%); highest among the groups gnomAD compares: South Asian, 0.0011%; no homozygotes.

Submissions (6):

PreventionGenetics, part of Exact Sciences
Classification: Likely pathogenic for USH2A-related condition. Last evaluated: 2026-04-09. Review status: criteria provided, single submitter. Criteria: ACMG Guidelines, 2015. Collection method: clinical testing. Allele origin: germline.
Comment: The USH2A c.7451+1G>A variant is predicted to disrupt the GT donor site and interfere with normal splicing. To our knowledge, this variant has not been previously reported in the literature in association with disease. This variant is reported in 0.0033% of alleles in individuals of South Asian descent in gnomAD. Variants that disrupt the consensus splice donor site in USH2A are expected to be pathogenic. This variant is interpreted as likely pathogenic.

Natera, Inc.
Classification: Likely pathogenic for Usher syndrome type 2A. Last evaluated: 2025-07-01. Review status: criteria provided, single submitter. Criteria: Natera Variant Classification Schema (03/2026). Collection method: clinical testing. Allele origin: germline.
Comment: The c.7451+1G>A variant in USH2A is a canonical splice donor site variant predicted to affect pre-mRNA splicing, which may result in an abnormal transcript and altered protein product. This variant is expected to result in nonsense mediated decay, truncation, or a dysfunctional protein product. This variant is rare in the general population with a frequency below the threshold expected for the associated phenotype(s). Given the available evidence, this variant is classified as Likely Pathogenic.

Labcorp Genetics (formerly Invitae), Labcorp
Classification: Likely pathogenic. Last evaluated: 2023-11-17. Review status: criteria provided, single submitter. Criteria: Invitae Variant Classification Sherloc (09022015). Collection method: clinical testing. Allele origin: germline.
Comment: This sequence change affects a donor splice site in intron 39 of the USH2A gene. It is expected to disrupt RNA splicing. Variants that disrupt the donor or acceptor splice site typically lead to a loss of protein function (PMID: 16199547), and loss-of-function variants in USH2A are known to be pathogenic (PMID: 10729113, 10909849, 20507924, 25649381). This variant is present in population databases (rs541848371, gnomAD 0.003%). Disruption of this splice site has been observed in individual(s) with retinitis pigmentosa (Invitae). ClinVar contains an entry for this variant (Variation ID: 960362). Algorithms developed to predict the effect of sequence changes on RNA splicing suggest that this variant may disrupt the consensus splice site. In summary, the currently available evidence indicates that the variant is pathogenic, but additional data are needed to prove that conclusively. Therefore, this variant has been classified as Likely Pathogenic.

Baylor Genetics
Classification: Likely pathogenic for Retinitis pigmentosa 39. Last evaluated: 2023-10-10. Review status: criteria provided, single submitter. Criteria: ACMG Guidelines, 2015. Collection method: clinical testing. Allele origin: unknown.

Blueprint Genetics
Classification: Likely pathogenic for USH2A-related disorders. Last evaluated: 2022-10-25. Review status: criteria provided, single submitter. Criteria: ACMG Guidelines, 2015. Collection method: clinical testing. Allele origin: germline. Affected: yes. Observed: 2 variant alleles.

Juno Genomics, Hangzhou Juno Genomics, Inc
Classification: Likely pathogenic for Usher syndrome type 2A; Retinitis pigmentosa 39. Review status: criteria provided, single submitter. Criteria: ACMG Guidelines, 2015. Collection method: clinical testing. Allele origin: germline.
Comment: Null variant in a gene where loss of function (LOF) is a known mechanism of disease.;Absent from controls (or at extremely low frequency if recessive) in Genome Aggregation Database.

Literature cited by the submitters: PubMed 16199547 (cited by Labcorp Genetics (formerly Invitae), Labcorp); PubMed 10729113 (cited by Labcorp Genetics (formerly Invitae), Labcorp); PubMed 10909849 (cited by Labcorp Genetics (formerly Invitae), Labcorp); PubMed 20507924 (cited by Labcorp Genetics (formerly Invitae), Labcorp); PubMed 25649381 (cited by Labcorp Genetics (formerly Invitae), Labcorp).

NM_206933.4(USH2A):c.7451+1G>A

Gene: USH2A (usherin; minus strand). Cytogenetic location: 1q41.
Variant type: single nucleotide variant.
Coding change: c.7451+1G>A on transcript NM_206933.4 (MANE Select); the canonical splice donor site of the intron after coding-DNA position 7451, G replaced by A.
Molecular consequence: splice donor variant.
Genome position (GRCh38, 1-based): chr1:215,900,754, C>T on the plus strand (G>A on the coding strand, the complement: USH2A is on the minus strand). VCF-style: chr1-215900754-C-T. GRCh37 (hg19) VCF-style: chr1-216074096-C-T.
Identifiers: ClinVar variation 960362 (VCV000960362.15), dbSNP rs541848371, ClinGen allele CA1394854.